The following is an entry in ClinVar:

ClinVar aggregate classification (germline): Uncertain significance. Review status: criteria provided, multiple submitters, no conflicts (2 of 4 stars). 2 submissions from 2 submitters: Uncertain significance (2). Last evaluated 2026-01-06.

Conditions:
Cardiovascular phenotype. Identifiers: MedGen CN230736.
Long QT syndrome (LQTS). Identifiers: MedGen C0023976, MeSH D008133, MONDO:0002442. Disease mechanism: loss of function. Inheritance: Various modes of inheritance.

Allele frequency attached by ClinVar (database versions not stated): gnomAD exomes 0.00001; ExAC 0.00001; TOPMed 0.00002; gnomAD 0.00001.
gnomAD v4.1: 16 of 1,611,340 alleles (0.00099%); highest among the groups gnomAD compares: Non-Finnish European, 0.0012%; no homozygotes.

Submissions (2):

Labcorp Genetics (formerly Invitae), Labcorp
Classification: Uncertain significance for Long QT syndrome. Last evaluated: 2026-01-06. Review status: criteria provided, single submitter. Criteria: Invitae Variant Classification Sherloc (09022015). Collection method: clinical testing. Allele origin: germline.
Comment: This sequence change replaces lysine, which is basic and polar, with glutamic acid, which is acidic and polar, at codon 319 of the SNTA1 protein (p.Lys319Glu). This variant is present in population databases (rs766990229, gnomAD 0.002%). This variant has not been reported in the literature in individuals affected with SNTA1-related conditions. ClinVar contains an entry for this variant (Variation ID: 1006157). Invitae Evidence Modeling of protein sequence and biophysical properties (such as structural, functional, and spatial information, amino acid conservation, physicochemical variation, residue mobility, and thermodynamic stability) indicates that this missense variant is not expected to disrupt SNTA1 protein function with a negative predictive value of 80%. In summary, the available evidence is currently insufficient to determine the role of this variant in disease. Therefore, it has been classified as a Variant of Uncertain Significance.

Ambry Genetics
Classification: Uncertain significance for Cardiovascular phenotype. Last evaluated: 2023-07-21. Review status: criteria provided, single submitter. Criteria: Ambry Variant Classification Scheme 2023. Collection method: clinical testing. Allele origin: germline.
Comment: The p.K319E variant (also known as c.955A>G), located in coding exon 5 of the SNTA1 gene, results from an A to G substitution at nucleotide position 955. The lysine at codon 319 is replaced by glutamic acid, an amino acid with similar properties. This amino acid position is conserved. In addition, the in silico prediction for this alteration is inconclusive. Since supporting evidence is limited at this time, the clinical significance of this alteration remains unclear.

NM_003098.3(SNTA1):c.955A>G (p.Lys319Glu)

Gene: SNTA1 (syntrophin alpha 1; minus strand). Cytogenetic location: 20q11.21.
Variant type: single nucleotide variant.
Coding change: c.955A>G on transcript NM_003098.3 (MANE Select); coding-DNA position 955, A replaced by G.
Protein change: p.Lys319Glu; replaces lysine 319 with glutamic acid.
Molecular consequence: missense variant.
Genome position (GRCh38, 1-based): chr20:33,412,381, T>C on the plus strand (A>G on the coding strand, the complement: SNTA1 is on the minus strand). VCF-style: chr20-33412381-T-C. GRCh37 (hg19) VCF-style: chr20-32000187-T-C.
Other names: c.955A>G (NM_003098.2); short protein forms K319E.
Identifiers: ClinVar variation 1006157 (VCV001006157.10), dbSNP rs766990229, ClinGen allele CA9817089.